The following is an entry in ClinVar:

NM_001101.5(ACTB):c.874G>A (p.Asp292Asn)

Gene: ACTB (actin beta; minus strand). Cytogenetic location: 7p22.1.
Variant type: single nucleotide variant.
Coding change: c.874G>A on transcript NM_001101.5 (MANE Select); coding-DNA position 874, G replaced by A.
Protein change: p.Asp292Asn; replaces aspartic acid 292 with asparagine.
Molecular consequence: missense variant.
Genome position (GRCh38, 1-based): chr7:5,528,114, C>T on the plus strand (G>A on the coding strand, the complement: ACTB is on the minus strand). VCF-style: chr7-5528114-C-T. GRCh37 (hg19) VCF-style: chr7-5567745-C-T.
Other names: short protein forms D292N.
Identifiers: ClinVar variation 3908070 (VCV003908070.1).

ClinVar aggregate classification (germline): Uncertain significance (1 of 4 stars; one submission).

Submission:

GeneDx
Classification: Uncertain significance. Last evaluated: 2024-12-27. Review status: criteria provided, single submitter. Criteria: GeneDx Variant Classification Process June 2021. Collection method: clinical testing. Allele origin: germline. Affected: yes.
Comment: Not observed at significant frequency in large population cohorts (gnomAD); Missense variants in this gene are a common cause of disease and they are underrepresented in the general population; In silico analysis supports that this missense variant has a deleterious effect on protein structure/function; Has not been previously published as pathogenic or benign to our knowledge